The following is an entry in ClinVar:

NM_001197104.2(KMT2A):c.7402A>G (p.Met2468Val)

Gene: KMT2A (lysine methyltransferase 2A; plus strand). Cytogenetic location: 11q23.3.
Variant type: single nucleotide variant.
Coding change: c.7402A>G on transcript NM_001197104.2 (MANE Select); coding-DNA position 7402, A replaced by G.
Protein change: p.Met2468Val; replaces methionine 2468 with valine.
Molecular consequence: missense variant.
Genome position (GRCh38, 1-based): chr11:118,503,294, A>G. VCF-style: chr11-118503294-A-G. GRCh37 (hg19) VCF-style: chr11-118374009-A-G.
Other names: c.7492A>G, p.Met2498Val (NM_001412597.1); c.7393A>G, p.Met2465Val (NM_005933.4); short protein forms M2465V, M2468V, M2498V.
Identifiers: ClinVar variation 2744647 (VCV002744647.3), dbSNP rs2134391697, ClinGen allele CA382805423.

ClinVar aggregate classification (germline): Uncertain significance (1 of 4 stars; one submission).

Submission:

Labcorp Genetics (formerly Invitae), Labcorp
Classification: Uncertain significance. Last evaluated: 2023-11-18. Review status: criteria provided, single submitter. Criteria: Invitae Variant Classification Sherloc (09022015). Collection method: clinical testing. Allele origin: germline.
Comment: This sequence change replaces methionine, which is neutral and non-polar, with valine, which is neutral and non-polar, at codon 2468 of the KMT2A protein (p.Met2468Val). This variant is not present in population databases (gnomAD no frequency). This variant has not been reported in the literature in individuals affected with KMT2A-related conditions. Advanced modeling of protein sequence and biophysical properties (such as structural, functional, and spatial information, amino acid conservation, physicochemical variation, residue mobility, and thermodynamic stability) performed at Invitae indicates that this missense variant is not expected to disrupt KMT2A protein function with a negative predictive value of 95%. In summary, the available evidence is currently insufficient to determine the role of this variant in disease. Therefore, it has been classified as a Variant of Uncertain Significance.